The following is an entry in ClinVar:

ClinVar aggregate classification (germline): Uncertain significance. Review status: criteria provided, multiple submitters, no conflicts (2 of 4 stars). 4 submissions from 4 submitters: Uncertain significance (4). Last evaluated 2026-01-08.

Conditions:
Mitochondrial disease. Also called: Mitochondrial disorder; Mitochondrial disorders. Identifiers: Orphanet 68380, MedGen C0751651, MeSH D028361, MONDO:0044970.

Allele frequency attached by ClinVar (database versions not stated): gnomAD 0.00029 and 0.00034; gnomAD exomes 0.00037 and 0.00039; ESP Exome Variant Server 0.00054; ExAC 0.00045; TOPMed 0.00042.
gnomAD v4.1: 621 of 1,613,724 alleles (0.038%); highest among the groups gnomAD compares: Admixed American, 0.05%; no homozygotes.

Submissions (4):

GeneDx
Classification: Uncertain significance. Last evaluated: 2026-01-08. Review status: criteria provided, single submitter. Criteria: GeneDx Variant Classification Process June 2021. Collection method: clinical testing. Allele origin: germline.
Comment: In silico analysis supports that this missense variant has a deleterious effect on protein structure/function; This variant is associated with the following publications: (PMID: 34056600)

Labcorp Genetics (formerly Invitae), Labcorp
Classification: Uncertain significance. Last evaluated: 2025-12-20. Review status: criteria provided, single submitter. Criteria: Invitae Variant Classification Sherloc (09022015). Collection method: clinical testing. Allele origin: germline.
Comment: This sequence change replaces glycine, which is neutral and non-polar, with serine, which is neutral and polar, at codon 627 of the ACO2 protein (p.Gly627Ser). This variant is present in population databases (rs145042292, gnomAD 0.06%). This missense change has been observed in individual(s) with clinical features of ACO2-related conditions (PMID: 34056600). ClinVar contains an entry for this variant (Variation ID: 1056037). Invitae Evidence Modeling of protein sequence and biophysical properties (such as structural, functional, and spatial information, amino acid conservation, physicochemical variation, residue mobility, and thermodynamic stability) indicates that this missense variant is not expected to disrupt ACO2 protein function with a negative predictive value of 80%. In summary, the available evidence is currently insufficient to determine the role of this variant in disease. Therefore, it has been classified as a Variant of Uncertain Significance.

Blueprint Genetics
Classification: Uncertain significance. Last evaluated: 2024-11-27. Review status: criteria provided, single submitter. Criteria: ACMG Guidelines, 2015. Collection method: clinical testing. Allele origin: germline.

Department of Pathology and Laboratory Medicine, Sinai Health System
Classification: Uncertain significance for mitochondrial disease. Last evaluated: 2023-09-05. Review status: criteria provided, single submitter. Criteria: ACMG Guidelines, 2015. Collection method: research. Allele origin: germline.

Literature cited by the submitters: PubMed 34056600 (cited by Labcorp Genetics (formerly Invitae), Labcorp).

NM_001098.3(ACO2):c.1879G>A (p.Gly627Ser)

Genes: ACO2 (aconitase 2; plus strand), POLR3H (RNA polymerase III subunit H; minus strand). Cytogenetic location: 22q13.2.
Variant type: single nucleotide variant.
Coding change: c.1879G>A on transcript NM_001098.3 (MANE Select); coding-DNA position 1879, G replaced by A.
Protein change: p.Gly627Ser; replaces glycine 627 with serine.
Molecular consequence: missense variant. On other transcripts: 3 prime UTR variant (5).
Genome position (GRCh38, 1-based): chr22:41,526,379, G>A. VCF-style: chr22-41526379-G-A. GRCh37 (hg19) VCF-style: chr22-41922383-G-A.
Other names: c.1879G>A (NM_001098.2); c.*2904C>T (NM_001018050.4, NM_001018052.4, NM_001282884.2 and 2 more transcripts); short protein forms G627S.
Identifiers: ClinVar variation 1056037 (VCV001056037.11), dbSNP rs145042292, ClinGen allele CA10257797.